The following is an entry in ClinVar:

ClinVar aggregate classification (germline): Pathogenic. Review status: criteria provided, multiple submitters, no conflicts (2 of 4 stars). 2 submissions from 2 submitters: Pathogenic (2). Last evaluated 2019-03-28.

Conditions:
Cardiovascular phenotype. Identifiers: MedGen CN230736.
Hereditary hemorrhagic telangiectasia (HHT). Also called: ORW DISEASE; Osler Weber Rendu syndrome; OSLER-RENDU-WEBER DISEASE; Osler hemorrhagic telangiectasia syndrome. Identifiers: Orphanet 774, MedGen C0039445, MONDO:0019180. Disease mechanism: loss of function.

Submissions (2):

Ambry Genetics
Classification: Pathogenic for Cardiovascular phenotype. Last evaluated: 2019-03-28. Review status: criteria provided, single submitter. Criteria: Ambry Variant Classification Scheme 2023. Collection method: clinical testing. Allele origin: germline.
Comment: The c.776delT pathogenic mutation, located in coding exon 6 of the ENG gene, results from a deletion of one nucleotide at nucleotide position 776, causing a translational frameshift with a predicted alternate stop codon (p.V259Gfs*100). This alteration is expected to result in loss of function by premature protein truncation or nonsense-mediated mRNA decay. As such, this alteration is interpreted as a disease-causing mutation.

Labcorp Genetics (formerly Invitae), Labcorp
Classification: Pathogenic for Hereditary hemorrhagic telangiectasia. Last evaluated: 2018-09-01. Review status: criteria provided, single submitter. Criteria: Invitae Variant Classification Sherloc (09022015). Collection method: clinical testing. Allele origin: germline.
Comment: This variant is not present in population databases (ExAC no frequency). This sequence change creates a premature translational stop signal (p.Val259Glyfs*100) in the ENG gene. It is expected to result in an absent or disrupted protein product. This variant has not been reported in the literature in individuals with ENG-related disease. For these reasons, this variant has been classified as Pathogenic. Loss-of-function variants in ENG are known to be pathogenic (PMID: 15879500, 20656886, 22385575).

Literature cited by the submitters: PubMed 15879500 (cited by Labcorp Genetics (formerly Invitae), Labcorp); PubMed 20656886 (cited by Labcorp Genetics (formerly Invitae), Labcorp); PubMed 22385575 (cited by Labcorp Genetics (formerly Invitae), Labcorp).

NM_001114753.3(ENG):c.776del (p.Val259fs)

Gene: ENG (endoglin; minus strand). Cytogenetic location: 9q34.11.
Variant type: Deletion.
Coding change: c.776del on transcript NM_001114753.3 (MANE Select); coding-DNA position 776, one base deleted (T; older notation c.776delT).
Protein change: p.Val259fs; shifts the reading frame from valine 259.
Molecular consequence: frameshift variant.
Genome position (GRCh38, 1-based): chr9:127,825,271, A deleted on the plus strand (T on the coding strand, the reverse complement: ENG is on the minus strand). VCF-style (leftmost placement, unchanged base first): chr9-127825270-CA-C. GRCh37 (hg19) VCF-style: chr9-130587549-CA-C.
Other names: c.776delT (NM_000118.3); c.776delT, p.Val259Glyfs (NM_000118.4, NM_001406715.1); c.230del, p.Val77fs (NM_001278138.2); short protein forms V259fs, V77fs.
Identifiers: ClinVar variation 646817 (VCV000646817.11), dbSNP rs1588581880, ClinGen allele CA915947177.